The following is an entry in ClinVar:

NM_001375808.2(LPIN2):c.434C>T (p.Thr145Ile)

Gene: LPIN2 (lipin 2; minus strand). Cytogenetic location: 18p11.31.
Variant type: single nucleotide variant.
Coding change: c.434C>T on transcript NM_001375808.2 (MANE Select); coding-DNA position 434, C replaced by T.
Protein change: p.Thr145Ile; replaces threonine 145 with isoleucine.
Molecular consequence: missense variant.
Genome position (GRCh38, 1-based): chr18:2,951,211, G>A on the plus strand (C>T on the coding strand, the complement: LPIN2 is on the minus strand). VCF-style: chr18-2951211-G-A. GRCh37 (hg19) VCF-style: chr18-2951209-G-A.
Other names: c.434C>T, p.Thr145Ile (NM_001375809.1, NM_014646.2); short protein forms T145I.
Identifiers: ClinVar variation 2004533 (VCV002004533.4), dbSNP rs1296446486, ClinGen allele CA401709080.

ClinVar aggregate classification (germline): Uncertain significance (1 of 4 stars; one submission).

Conditions:
Majeed syndrome (MJDS). Also called: LPIN2-Related Majeed Syndrome; CHRONIC RECURRENT MULTIFOCAL OSTEOMYELITIS 1, WITH CONGENITAL DYSERYTHROPOIETIC ANEMIA, WITH OR WITHOUT NEUTROPHILIC DERMATOSIS. Identifiers: Orphanet 77297, MedGen C1864997, MONDO:0012316, OMIM 609628.

Submission:

Labcorp Genetics (formerly Invitae), Labcorp
Classification: Uncertain significance for Majeed syndrome. Last evaluated: 2022-06-10. Review status: criteria provided, single submitter. Criteria: Invitae Variant Classification Sherloc (09022015). Collection method: clinical testing. Allele origin: germline.
Comment: This variant has not been reported in the literature in individuals affected with LPIN2-related conditions. This sequence change replaces threonine, which is neutral and polar, with isoleucine, which is neutral and non-polar, at codon 145 of the LPIN2 protein (p.Thr145Ile). This variant is not present in population databases (gnomAD no frequency). Algorithms developed to predict the effect of missense changes on protein structure and function (SIFT, PolyPhen-2, Align-GVGD) all suggest that this variant is likely to be tolerated. In summary, the available evidence is currently insufficient to determine the role of this variant in disease. Therefore, it has been classified as a Variant of Uncertain Significance.